The following is an entry in ClinVar:

ClinVar aggregate classification (germline): Uncertain significance (1 of 4 stars; one submission).

Conditions:
Hereditary breast ovarian cancer syndrome. Also called: Hereditary breast and ovarian cancer syndrome; Hereditary breast and ovarian cancer syndrome (HBOC); Hereditary breast and/or ovarian cancer syndrome; Hereditary breast and ovarian cancer; Breast and ovarian cancer; BRCA1- and BRCA2-Associated Hereditary Breast and Ovarian Cancer. Identifiers: Orphanet 145, MedGen C0677776, MeSH D061325, MONDO:0003582. Disease mechanism: loss of function.

Submission:

Labcorp Genetics (formerly Invitae), Labcorp
Classification: Uncertain significance for Hereditary breast ovarian cancer syndrome. Last evaluated: 2024-01-06. Review status: criteria provided, single submitter. Criteria: Invitae Variant Classification Sherloc (09022015). Collection method: clinical testing. Allele origin: germline.
Comment: This sequence change replaces aspartic acid, which is acidic and polar, with alanine, which is neutral and non-polar, at codon 1909 of the BRCA2 protein (p.Asp1909Ala). This variant is not present in population databases (gnomAD no frequency). This variant has not been reported in the literature in individuals affected with BRCA2-related conditions. Advanced modeling of protein sequence and biophysical properties (such as structural, functional, and spatial information, amino acid conservation, physicochemical variation, residue mobility, and thermodynamic stability) performed at Invitae indicates that this missense variant is not expected to disrupt BRCA2 protein function with a negative predictive value of 95%. In summary, the available evidence is currently insufficient to determine the role of this variant in disease. Therefore, it has been classified as a Variant of Uncertain Significance.

NM_000059.4(BRCA2):c.5726A>C (p.Asp1909Ala)

Gene: BRCA2 (BRCA2 DNA repair associated; plus strand). Cytogenetic location: 13q13.1.
Variant type: single nucleotide variant.
Coding change: c.5726A>C on transcript NM_000059.4 (MANE Select); coding-DNA position 5726, A replaced by C.
Protein change: p.Asp1909Ala; replaces aspartic acid 1909 with alanine.
Molecular consequence: missense variant. On other transcripts: non-coding transcript variant (1), intron variant (2).
Genome position (GRCh38, 1-based): chr13:32,340,081, A>C. VCF-style: chr13-32340081-A-C. GRCh37 (hg19) VCF-style: chr13-32914218-A-C.
Other names: c.5726A>C, p.Asp1909Ala (NM_001406719.1, NM_001406720.1); c.1910-4477A>C (NM_001406721.1); c.425-4477A>C (NM_001406722.1); short protein forms D1909A.
Identifiers: ClinVar variation 2707958 (VCV002707958.3), dbSNP rs80358798, ClinGen allele CA387786884.